The following is an entry in ClinVar:

NM_001242896.3(DEPDC5):c.862G>T (p.Glu288Ter)

Gene: DEPDC5 (DEP domain containing 5, GATOR1 subcomplex subunit; plus strand). Cytogenetic location: 22q12.2.
Variant type: single nucleotide variant.
Coding change: c.862G>T on transcript NM_001242896.3 (MANE Select); coding-DNA position 862, G replaced by T.
Protein change: p.Glu288Ter; replaces glutamic acid 288 with a stop codon.
Molecular consequence: nonsense. On other transcripts: non-coding transcript variant (5).
Genome position (GRCh38, 1-based): chr22:31,797,694, G>T. VCF-style: chr22-31797694-G-T. GRCh37 (hg19) VCF-style: chr22-32193680-G-T.
Other names: c.862G>T, p.Glu288Ter (NM_001007188.4, NM_001136029.4, NM_001242897.2 and 7 more transcripts); c.778G>T, p.Glu260Ter (NM_001369901.1, NM_001369902.1); short protein forms E288*, E260*.
Identifiers: ClinVar variation 969502 (VCV000969502.7), dbSNP rs770620001, ClinGen allele CA411290717.

ClinVar aggregate classification (germline): Pathogenic (1 of 4 stars; one submission).

Conditions:
Familial focal epilepsy with variable foci (FPEVF). Identifiers: Orphanet 98820, MedGen C1858477, MONDO:0020310.

Submission:

Labcorp Genetics (formerly Invitae), Labcorp
Classification: Pathogenic for Familial focal epilepsy with variable foci. Last evaluated: 2020-01-24. Review status: criteria provided, single submitter. Criteria: Invitae Variant Classification Sherloc (09022015). Collection method: clinical testing. Allele origin: germline.
Comment: For these reasons, this variant has been classified as Pathogenic. Loss-of-function variants in DEPDC5 are known to be pathogenic (PMID: 23542697, 23542701). Algorithms developed to predict the effect of sequence changes on RNA splicing suggest that this variant may create or strengthen a splice site, but this prediction has not been confirmed by published transcriptional studies. This variant has not been reported in the literature in individuals with DEPDC5-related conditions. This variant is not present in population databases (ExAC no frequency). This sequence change creates a premature translational stop signal (p.Glu288*) in the DEPDC5 gene. It is expected to result in an absent or disrupted protein product.

Literature cited by the submitters: PubMed 23542697; PubMed 23542701.